The following is an entry in ClinVar:

ClinVar aggregate classification (germline): Uncertain significance (1 of 4 stars; one submission).

Submission:

Ambry Genetics
Classification: Uncertain significance. Last evaluated: 2023-11-14. Review status: criteria provided, single submitter. Criteria: Ambry Variant Classification Scheme 2023. Collection method: clinical testing. Allele origin: germline.
Comment: The p.Y685H variant (also known as c.2053T>C), located in coding exon 13 of the RINT1 gene, results from a T to C substitution at nucleotide position 2053. The tyrosine at codon 685 is replaced by histidine, an amino acid with similar properties. This amino acid position is conserved. In addition, this alteration is predicted to be tolerated by in silico analysis. Since supporting evidence is limited at this time, the clinical significance of this alteration remains unclear.

NM_021930.6(RINT1):c.2053T>C (p.Tyr685His)

Genes: EFCAB10 (EF-hand calcium binding domain 10; minus strand), RINT1 (RAD50 interactor 1; plus strand). Cytogenetic location: 7q22.3.
Variant type: single nucleotide variant.
Coding change: c.2053T>C on transcript NM_021930.6 (MANE Select); coding-DNA position 2053, T replaced by C.
Protein change: p.Tyr685His; replaces tyrosine 685 with histidine.
Molecular consequence: missense variant. On other transcripts: 3 prime UTR variant (2), non-coding transcript variant (1).
Genome position (GRCh38, 1-based): chr7:105,565,443, T>C. VCF-style: chr7-105565443-T-C. GRCh37 (hg19) VCF-style: chr7-105205890-T-C.
Other names: c.*4A>G (NM_001355526.2); c.*106A>G (NM_001355530.2); c.364A>G, p.Ile122Val (NM_001355531.2); c.1819T>C, p.Tyr607His (NM_001346599.2); c.1030T>C, p.Tyr344His (NM_001346600.2, NM_001346603.2); c.1129T>C, p.Tyr377His (NM_001346601.2); short protein forms I122V, Y344H, Y377H, Y607H, Y685H.
Identifiers: ClinVar variation 3227631 (VCV003227631.1), dbSNP rs2485184929, ClinGen allele CA368814986.
Genomic context (GRCh38, chr7:105,565,443, plus strand): 5'-CAGCTTTGTTTCTCCTTATTTAAAATTTTCTGGCAAATGCTTGTAGAGAAGCTGGATGTA[T>C]ACATCTACCAAGAAGTAAGTAAGAATAGACTGTTTTTGGGCTGTGATAATAAAGACAACT-3'
Protein context (NP_068749.3, residues 675-695): WQMLVEKLDV[Tyr685His]IYQEIILANH